The following is an entry in ClinVar:

ClinVar aggregate classification (germline): Uncertain significance (1 of 4 stars; one submission).

Conditions:
Hereditary cancer-predisposing syndrome. Also called: Neoplastic Syndromes, Hereditary; Tumor predisposition; Hereditary Cancer Syndrome; Hereditary neoplastic syndrome. Identifiers: Orphanet 140162, MedGen C0027672, MeSH D009386, MONDO:0015356.
Cardiovascular phenotype. Identifiers: MedGen CN230736.

gnomAD v4.1: 1 of 1,614,008 alleles (0.000062%); highest among the groups gnomAD compares: Non-Finnish European, 0.000085%; no homozygotes.

Submission:

Ambry Genetics
Classification: Uncertain significance for Cardiovascular phenotype; Hereditary cancer-predisposing syndrome. Last evaluated: 2026-07-29. Review status: criteria provided, single submitter. Criteria: Ambry Variant Classification Scheme 2023. Collection method: clinical testing. Allele origin: germline.
Comment: The p.P1815R variant (also known as c.5444C>G), located in coding exon 37 of the NF1 gene, results from a C to G substitution at nucleotide position 5444. The proline at codon 1815 is replaced by arginine, an amino acid with dissimilar properties. This amino acid position is conserved. In addition, this alteration is predicted to be deleterious by in silico analysis. Based on the available evidence, the clinical significance of this variant remains unclear.

NM_001042492.3(NF1):c.5507C>G (p.Pro1836Arg)

Gene: NF1 (neurofibromin 1; plus strand). Cytogenetic location: 17q11.2.
Variant type: single nucleotide variant.
Coding change: c.5507C>G on transcript NM_001042492.3 (MANE Select); coding-DNA position 5507, C replaced by G.
Protein change: p.Pro1836Arg; replaces proline 1836 with arginine.
Molecular consequence: missense variant.
Genome position (GRCh38, 1-based): chr17:31,327,737, C>G. VCF-style: chr17-31327737-C-G. GRCh37 (hg19) VCF-style: chr17-29654755-C-G.
Other names: c.5444C>G, p.Pro1815Arg (NM_000267.4); short protein forms P1815R, P1836R.
Identifiers: ClinVar variation 4036563 (VCV004036563.2).